The following is an entry in ClinVar:

NM_144670.6(A2ML1):c.4082C>T (p.Ser1361Phe)

Gene: A2ML1 (alpha-2-macroglobulin like 1; plus strand). Cytogenetic location: 12p13.31.
Variant type: single nucleotide variant.
Coding change: c.4082C>T on transcript NM_144670.6 (MANE Select); coding-DNA position 4082, C replaced by T.
Protein change: p.Ser1361Phe; replaces serine 1361 with phenylalanine.
Molecular consequence: missense variant.
Genome position (GRCh38, 1-based): chr12:8,868,557, C>T. VCF-style: chr12-8868557-C-T. GRCh37 (hg19) VCF-style: chr12-9021153-C-T.
Other names: c.2609C>T, p.Ser870Phe (NM_001282424.3); short protein forms S870F, S1361F.
Identifiers: ClinVar variation 3711279 (VCV003711279.2).

ClinVar aggregate classification (germline): Uncertain significance (1 of 4 stars; one submission).

gnomAD v4.1: 1 of 1,613,944 alleles (0.000062%); highest among the groups gnomAD compares: Non-Finnish European, 0.000085%; no homozygotes.

Submission:

Labcorp Genetics (formerly Invitae), Labcorp
Classification: Uncertain significance. Last evaluated: 2024-10-12. Review status: criteria provided, single submitter. Criteria: Invitae Variant Classification Sherloc (09022015). Collection method: clinical testing. Allele origin: germline.
Comment: This sequence change replaces serine, which is neutral and polar, with phenylalanine, which is neutral and non-polar, at codon 1361 of the A2ML1 protein (p.Ser1361Phe). This variant is not present in population databases (gnomAD no frequency). This variant has not been reported in the literature in individuals affected with A2ML1-related conditions. An algorithm developed to predict the effect of missense changes on protein structure and function (PolyPhen-2) suggests that this variant is likely to be tolerated. In summary, the available evidence is currently insufficient to determine the role of this variant in disease. Therefore, it has been classified as a Variant of Uncertain Significance.